The following is an entry in ClinVar:

ClinVar aggregate classification (germline): Pathogenic (1 of 4 stars; one submission).

Conditions:
Glycogen storage disease, type II (IOPD). Also called: Glucosidase acid-1,4-alpha deficiency; Pompe Disease; GLYCOGENOSIS, GENERALIZED, CARDIAC FORM; GSD II; POMPE DISEASE, INFANTILE-ONSET; GLYCOGEN STORAGE DISEASE II, INFANTILE-ONSET. Identifiers: Orphanet 365, MedGen C0017921, MONDO:0009290, OMIM 232300.

Submission:

Labcorp Genetics (formerly Invitae), Labcorp
Classification: Pathogenic for Glycogen storage disease, type II. Last evaluated: 2023-05-16. Review status: criteria provided, single submitter. Criteria: Invitae Variant Classification Sherloc (09022015). Collection method: clinical testing. Allele origin: germline.
Comment: For these reasons, this variant has been classified as Pathogenic. This variant has not been reported in the literature in individuals affected with GAA-related conditions. This variant is not present in population databases (gnomAD no frequency). This sequence change creates a premature translational stop signal (p.Phe311Serfs*3) in the GAA gene. It is expected to result in an absent or disrupted protein product. Loss-of-function variants in GAA are known to be pathogenic (PMID: 18425781, 22252923).

Literature cited by the submitters: PubMed 18425781; PubMed 22252923.

NM_000152.5(GAA):c.930del (p.Phe311fs)

Gene: GAA (alpha glucosidase; plus strand). Cytogenetic location: 17q25.3.
Variant type: Deletion.
Coding change: c.930del on transcript NM_000152.5 (MANE Select); coding-DNA position 930, one base deleted (G; older notation c.930delG).
Protein change: p.Phe311fs; shifts the reading frame from phenylalanine 311.
Molecular consequence: frameshift variant.
Genome position (GRCh38, 1-based): chr17:80,107,871, G deleted. VCF-style (leftmost placement, unchanged base first): chr17-80107870-TG-T. GRCh37 (hg19) VCF-style: chr17-78081669-TG-T.
Other names: c.930del, p.Phe311fs (NM_001079803.3, NM_001079804.3, NM_001406741.1 and 1 more transcripts); short protein forms F311fs.
Identifiers: ClinVar variation 2864897 (VCV002864897.3), dbSNP rs2510359497, ClinGen allele CA2739268466.
Genomic context (GRCh38, chr17:80,107,870, plus strand): 5'-ACCTCTACGGGTCTCACCCTTTCTACCTGGCGCTGGAGGACGGCGGGTCGGCACACGGGG[TG>T]TTCCTGCTAAACAGCAATGCCATGGGTAAGCTGCCCGCCGCCCAGCGCCCGGGCCGGGGT-3'